The following is an entry in ClinVar:

NC_000013.10:g.(?_101936264)_(101944737_?)del

Gene: NALCN (sodium leak channel, non-selective; minus strand). Cytogenetic location: 13q33.1.
Variant type: Deletion.
Identifiers: ClinVar variation 2427152 (VCV002427152.4).

ClinVar aggregate classification (germline): Pathogenic (1 of 4 stars; one submission).

Submission:

Labcorp Genetics (formerly Invitae), Labcorp
Classification: Pathogenic. Last evaluated: 2022-08-03. Review status: criteria provided, single submitter. Criteria: Invitae Variant Classification Sherloc (09022015). Collection method: clinical testing. Allele origin: germline.
Comment: For these reasons, this variant has been classified as Pathogenic. This variant has not been reported in the literature in individuals affected with NALCN-related conditions. This variant is a gross deletion of the genomic region encompassing exon(s) 8-10 of the NALCN gene. This deletion is out-of-frame, and is expected to create a premature termination codon and result in an absent or disrupted protein product. Loss-of-function variants in NALCN are known to be pathogenic (PMID: 23749988, 24075186).

Literature cited by the submitters: PubMed 23749988; PubMed 24075186.